The following is an entry in ClinVar:

ClinVar aggregate classification (germline): Uncertain significance (1 of 4 stars; one submission).

Conditions:
Hereditary cancer-predisposing syndrome. Also called: Neoplastic Syndromes, Hereditary; Tumor predisposition; Hereditary neoplastic syndrome; Hereditary Cancer Syndrome. Identifiers: Orphanet 140162, MedGen C0027672, MeSH D009386, MONDO:0015356.

Submission:

Ambry Genetics
Classification: Uncertain significance for Hereditary cancer-predisposing syndrome. Last evaluated: 2025-11-21. Review status: criteria provided, single submitter. Criteria: Ambry Variant Classification Scheme 2023. Collection method: clinical testing. Allele origin: germline.
Comment: The p.E285K variant (also known as c.853G>A), located in coding exon 7 of the SMARCB1 gene, results from a G to A substitution at nucleotide position 853. The glutamic acid at codon 285 is replaced by lysine, an amino acid with similar properties. This amino acid position is highly conserved in available vertebrate species. In addition, this alteration is predicted to be deleterious by in silico analysis. Based on the available evidence, the clinical significance of this variant remains unclear.

NM_003073.5(SMARCB1):c.853G>A (p.Glu285Lys)

Gene: SMARCB1 (SWI/SNF related BAF chromatin remodeling complex subunit B1; plus strand). Cytogenetic location: 22q11.23.
Variant type: single nucleotide variant.
Coding change: c.853G>A on transcript NM_003073.5 (MANE Select); coding-DNA position 853, G replaced by A.
Protein change: p.Glu285Lys; replaces glutamic acid 285 with lysine.
Molecular consequence: missense variant.
Genome position (GRCh38, 1-based): chr22:23,825,282, G>A. VCF-style: chr22-23825282-G-A. GRCh37 (hg19) VCF-style: chr22-24167469-G-A.
Other names: c.826G>A, p.Glu276Lys (NM_001007468.3); c.880G>A, p.Glu294Lys (NM_001317946.2); c.907G>A, p.Glu303Lys (NM_001362877.2); short protein forms E294K, E276K, E285K, E303K.
Identifiers: ClinVar variation 2452587 (VCV002452587.3), dbSNP rs2146026801, ClinGen allele CA410907059.